The following is an entry in ClinVar:

NM_012262.4(HS2ST1):c.364-8C>T

Gene: HS2ST1 (heparan sulfate 2-O-sulfotransferase 1; plus strand). Cytogenetic location: 1p22.3.
Variant type: single nucleotide variant.
Coding change: c.364-8C>T on transcript NM_012262.4 (MANE Select); 8 bases into the intron before coding-DNA position 364, C replaced by T.
Molecular consequence: intron variant.
Genome position (GRCh38, 1-based): chr1:87,084,186, C>T. VCF-style: chr1-87084186-C-T. GRCh37 (hg19) VCF-style: chr1-87549869-C-T.
Other names: c.364-8C>T (NM_001134492.2).
Identifiers: ClinVar variation 707157 (VCV000707157.29), dbSNP rs191652191, ClinGen allele CA936786.

ClinVar aggregate classification (germline): Benign. Review status: criteria provided, multiple submitters, no conflicts (2 of 4 stars). 5 submissions from 5 submitters: Benign (5). Last evaluated 2026-07-01.

Conditions:
Neurofacioskeletal syndrome with or without renal agenesis. Also called: NEURODEVELOPMENTAL DISORDER WITH CORPUS CALLOSUM AGENESIS, CRANIOFACIAL DYSMORPHISM, AND SKELETAL ANOMALIES, WITH OR WITHOUT RENAL AGENESIS. Identifiers: MedGen C5543070, MONDO:0030966, OMIM 619194.

Allele frequency attached by ClinVar (database versions not stated): 1000 Genomes Project 30x 0.00422; 1000 Genomes Project 0.00439; ESP Exome Variant Server 0.00685; gnomAD 0.00842 and 0.00861; TOPMed 0.00873; gnomAD exomes 0.00908 and 0.01103; ExAC 0.00954.
gnomAD v4.1: 16,633 of 1,554,762 alleles (1.1%); highest among the groups gnomAD compares: Middle Eastern, 1.4%; 116 homozygotes.

Submissions (5):

CeGaT Center for Human Genetics Tuebingen
Classification: Benign. Last evaluated: 2026-07-01. Review status: criteria provided, single submitter. Criteria: CeGaT Center For Human Genetics Tuebingen Variant Classification Criteria Version 2. Collection method: clinical testing. Allele origin: germline. Affected: yes. Observed: 39 variant alleles.
Comment: HS2ST1: BP4, BS1, BS2

Genome-Nilou Lab
Classification: Benign for Neurofacioskeletal syndrome with or without renal agenesis. Last evaluated: 2023-04-11. Review status: criteria provided, single submitter. Criteria: ACMG Guidelines, 2015. Collection method: clinical testing. Allele origin: germline. Affected: no.

Fulgent Genetics
Classification: Benign for Neurofacioskeletal syndrome with or without renal agenesis. Last evaluated: 2021-10-18. Review status: criteria provided, single submitter. Criteria: ACMG Guidelines, 2015. Collection method: clinical testing. Allele origin: unknown.

Labcorp Genetics (formerly Invitae), Labcorp
Classification: Benign. Last evaluated: 2017-09-21. Review status: criteria provided, single submitter. Criteria: Invitae Variant Classification Sherloc (09022015). Collection method: clinical testing. Allele origin: germline.

Breakthrough Genomics
Classification: Benign. Review status: criteria provided, single submitter. Criteria: ACMG Guidelines, 2015. Collection method: not provided. Allele origin: germline. Inheritance: Autosomal recessive inheritance. Affected: yes.